The following is an entry in ClinVar:

NM_000260.4(MYO7A):c.99_100del (p.Gly34fs)

Gene: MYO7A (myosin VIIA; plus strand). Cytogenetic location: 11q13.5.
Variant type: Deletion.
Coding change: c.99_100del on transcript NM_000260.4 (MANE Select); coding-DNA positions 99 to 100, 2 bases deleted (TG; older notation c.99_100delTG).
Protein change: p.Gly34fs; shifts the reading frame from glycine 34.
Molecular consequence: frameshift variant.
Genome position (GRCh38, 1-based): chr11:77,142,789-77,142,790, TG deleted. VCF-style (leftmost placement, unchanged base first): chr11-77142788-CTG-C. GRCh37 (hg19) VCF-style: chr11-76853834-CTG-C.
Other names: c.99_100delTG (NM_000260.3); c.99_100del, p.Gly34fs (NM_001127180.2); c.66_67del, p.Gly23fs (NM_001369365.1); short protein forms G34fs, G23fs.
Identifiers: ClinVar variation 945193 (VCV000945193.9), dbSNP rs782312060, ClinGen allele CA6197027.
Genomic context (GRCh38, chr11:77,142,788, plus strand): 5'-ACCTGAGATTGGGGCAGGAGTTCGACGTGCCCATCGGGGCGGTGGTGAAGCTCTGCGACT[CTG>C]GGCAGGTCCAGGTGGTGGATGATGAAGACAATGTGAGTAGTCCCCTCCCTCCTCCTGCCC-3'

ClinVar aggregate classification (germline): Pathogenic/Likely pathogenic. Review status: criteria provided, multiple submitters, no conflicts (2 of 4 stars). 3 submissions from 3 submitters: Pathogenic (1); Likely pathogenic (2). Last evaluated 2025-09-06.

Conditions:
Usher syndrome type 1B (USH1B). Also called: Usher syndrome type IB. Identifiers: MedGen C1848638, MONDO:0700087.
MYO7A-related disorder. Also called: MYO7A-related disorders.

Allele frequency attached by ClinVar (database versions not stated): gnomAD exomes below 0.00001 and 0.00001; ExAC 0.00002; gnomAD 0.00005 and 0.00006; TOPMed 0.00005.

Submissions (3):

Labcorp Genetics (formerly Invitae), Labcorp
Classification: Pathogenic. Last evaluated: 2025-09-06. Review status: criteria provided, single submitter. Criteria: Invitae Variant Classification Sherloc (09022015). Collection method: clinical testing. Allele origin: germline.
Comment: This sequence change creates a premature translational stop signal (p.Gly34Alafs*7) in the MYO7A gene. It is expected to result in an absent or disrupted protein product. Loss-of-function variants in MYO7A are known to be pathogenic (PMID: 8900236, 25404053). This variant is present in population databases (rs782312060, gnomAD 0.02%). This variant has not been reported in the literature in individuals affected with MYO7A-related conditions. ClinVar contains an entry for this variant (Variation ID: 945193). For these reasons, this variant has been classified as Pathogenic.

Natera, Inc.
Classification: Likely pathogenic for Usher syndrome type 1B. Last evaluated: 2025-07-13. Review status: criteria provided, single submitter. Criteria: Natera Variant Classification Schema (03/2026). Collection method: clinical testing. Allele origin: germline.
Comment: The c.99_100delTG variant in MYO7A is a frameshift variant predicted to shift the reading frame beginning at codon 34 and leads to a stop codon 7 codons downstream. This variant is expected to result in nonsense mediated decay, truncation, or a dysfunctional protein product. This variant is rare in the general population with a frequency below the threshold expected for the associated phenotype(s). Given the available evidence, this variant is classified as Likely Pathogenic.

Greenwood Genetic Center Diagnostic Laboratories, Greenwood Genetic Center
Classification: Likely pathogenic for MYO7A-related disorder. Last evaluated: 2024-09-16. Review status: criteria provided, single submitter. Criteria: ACMG Guidelines, 2015. Collection method: clinical testing. Allele origin: germline. Affected: yes.
Comment: PVS1, PM2

Literature cited by the submitters: PubMed 8900236 (cited by Labcorp Genetics (formerly Invitae), Labcorp); PubMed 25404053 (cited by Labcorp Genetics (formerly Invitae), Labcorp).